The following is an entry in ClinVar:

NM_182961.4(SYNE1):c.18382-1G>A

Gene: SYNE1 (spectrin repeat containing nuclear envelope protein 1; minus strand). Cytogenetic location: 6q25.2.
Variant type: single nucleotide variant.
Coding change: c.18382-1G>A on transcript NM_182961.4 (MANE Select); the canonical splice acceptor site of the intron before coding-DNA position 18382, G replaced by A.
Molecular consequence: splice acceptor variant.
Genome position (GRCh38, 1-based): chr6:152,278,281, C>T on the plus strand (G>A on the coding strand, the complement: SYNE1 is on the minus strand). VCF-style: chr6-152278281-C-T. GRCh37 (hg19) VCF-style: chr6-152599416-C-T.
Other names: c.18169-1G>A (NM_033071.5).
Identifiers: ClinVar variation 1711853 (VCV001711853.1), dbSNP rs762660111, ClinGen allele CA4054978.

ClinVar aggregate classification (germline): Likely pathogenic (1 of 4 stars; one submission).

Conditions:
Emery-Dreifuss muscular dystrophy 4, autosomal dominant (EDMD4). Also called: EMERY-DREIFUSS MUSCULAR DYSTROPHY 4 WITH VARIABLE FEATURES. Identifiers: Orphanet 261, MedGen C2751807, MONDO:0013071, OMIM 612998.

Allele frequency attached by ClinVar (database versions not stated): gnomAD exomes below 0.00001; ExAC 0.00001.
gnomAD v4.1: 2 of 1,613,994 alleles (0.00012%); highest among the groups gnomAD compares: Non-Finnish European, 0.00017%; no homozygotes.

Submission:

Breda Genetics srl
Classification: Likely pathogenic for Emery-Dreifuss muscular dystrophy 4, autosomal dominant. Last evaluated: 2022-07-15. Review status: criteria provided, single submitter. Criteria: ACMG Guidelines, 2015. Collection method: clinical testing. Allele origin: germline. Inheritance: Autosomal dominant inheritance. Affected: yes. Observed: 1 variant allele, 1 heterozygote.
Comment: The variant c.18382-1G>A in the SYNE1 gene affects the acceptor splice site of intron 97 and is therefore highly likely to impact the splicing process by causing the exclusion of the following exons from the mature transcript and the translation of an aberrant protein or a shift in the reading frame. The variant is reported with an estimated allele frequency of 0.000003989 in gnomAD exomes with no homozygous individuals reported.